The following is an entry in ClinVar:

ClinVar aggregate classification (germline): Uncertain significance (1 of 4 stars; one submission).

Submission:

Labcorp Genetics (formerly Invitae), Labcorp
Classification: Uncertain significance. Last evaluated: 2025-06-17. Review status: criteria provided, single submitter. Criteria: Invitae Variant Classification Sherloc (09022015). Collection method: clinical testing. Allele origin: germline.
Comment: This sequence change replaces proline, which is neutral and non-polar, with serine, which is neutral and polar, at codon 2106 of the ZDBF2 protein (p.Pro2106Ser). Information on the frequency of this variant in the gnomAD database is not available, as this variant may be reported differently in the database. This variant has not been reported in the literature in individuals affected with ZDBF2-related conditions. Experimental studies and prediction algorithms are not available or were not evaluated, and the functional significance of this variant is currently unknown. In summary, the available evidence is currently insufficient to determine the role of this variant in disease. Therefore, it has been classified as a Variant of Uncertain Significance.

NM_020923.3(ZDBF2):c.6315_6316delinsTT (p.Pro2106Ser)

Gene: ZDBF2 (zinc finger DBF-type containing 2; plus strand). Cytogenetic location: 2q33.3.
Variant type: Indel.
Coding change: c.6315_6316delinsTT on transcript NM_020923.3 (MANE Select); coding-DNA positions 6315 to 6316, GC replaced by TT.
Protein change: p.Pro2106Ser; replaces proline 2106 with serine.
Molecular consequence: missense variant.
Genome position (GRCh38, 1-based): chr2:206,310,843-206,310,844, GC replaced by TT. VCF-style: chr2-206310843-GC-TT. GRCh37 (hg19) VCF-style: chr2-207175567-GC-TT.
Other names: c.6309_6310delinsTT, p.Pro2104Ser (NM_001285549.2); c.6315_6316delinsTT, p.Pro2106Ser (NM_001369654.1); short protein forms P2106S, P2104S.
Identifiers: ClinVar variation 4721509 (VCV004721509.1).